The following is an entry in ClinVar:

ClinVar aggregate classification (germline): Uncertain significance. Review status: criteria provided, multiple submitters, no conflicts (2 of 4 stars). 2 submissions from 2 submitters: Uncertain significance (2). Last evaluated 2022-09-01.

Conditions:
Neuroblastoma, susceptibility to, 3. Also called: ALK-Related Neuroblastic Tumor Susceptibility. Identifiers: Orphanet 635, MedGen C2751681, MONDO:0013083, OMIM 613014.
Hereditary cancer-predisposing syndrome. Also called: Neoplastic Syndromes, Hereditary; Hereditary neoplastic syndrome; Hereditary Cancer Syndrome; Tumor predisposition. Identifiers: Orphanet 140162, MedGen C0027672, MeSH D009386, MONDO:0015356.

Submissions (2):

Labcorp Genetics (formerly Invitae), Labcorp
Classification: Uncertain significance for Neuroblastoma, susceptibility to, 3. Last evaluated: 2022-09-01. Review status: criteria provided, single submitter. Criteria: Invitae Variant Classification Sherloc (09022015). Collection method: clinical testing. Allele origin: germline.
Comment: In summary, the available evidence is currently insufficient to determine the role of this variant in disease. Therefore, it has been classified as a Variant of Uncertain Significance. Algorithms developed to predict the effect of sequence changes on RNA splicing suggest that this variant may disrupt the consensus splice site. ClinVar contains an entry for this variant (Variation ID: 943911). This variant has not been reported in the literature in individuals affected with ALK-related conditions. This variant is not present in population databases (gnomAD no frequency). This sequence change affects a donor splice site in intron 20 of the ALK gene. It is expected to disrupt RNA splicing. Variants that disrupt the donor or acceptor splice site typically lead to a loss of protein function (PMID: 16199547), however the current clinical and genetic evidence is not sufficient to establish whether loss-of-function variants in ALK cause disease.

Ambry Genetics
Classification: Uncertain significance for Hereditary cancer-predisposing syndrome. Last evaluated: 2020-09-24. Review status: criteria provided, single submitter. Criteria: Ambry Variant Classification Scheme 2023. Collection method: clinical testing. Allele origin: germline.
Comment: The c.3359+1G>A intronic variant results from a G to A substitution one nucleotide after coding exon 20 of the ALK gene. This nucleotide position is highly conserved in available vertebrate species. In silico splice site analysis predicts that this alteration will weaken the native splice donor site and will result in the creation or strengthening of a novel splice donor site. Alterations that disrupt the canonical splice site are expected to cause aberrant splicing, resulting in an abnormal protein or a transcript that is subject to nonsense-mediated mRNA decay. However, loss of function of ALK has not been clearly established as a mechanism of disease. Since supporting evidence is limited at this time, the clinical significance of this alteration remains unclear.

Literature cited by the submitters: PubMed 16199547 (cited by Labcorp Genetics (formerly Invitae), Labcorp).

NM_004304.5(ALK):c.3359+1G>A

Gene: ALK (ALK receptor tyrosine kinase; minus strand). Cytogenetic location: 2p23.2.
Variant type: single nucleotide variant.
Coding change: c.3359+1G>A on transcript NM_004304.5 (MANE Select); the canonical splice donor site of the intron after coding-DNA position 3359, G replaced by A.
Molecular consequence: splice donor variant.
Genome position (GRCh38, 1-based): chr2:29,223,341, C>T on the plus strand (G>A on the coding strand, the complement: ALK is on the minus strand). VCF-style: chr2-29223341-C-T. GRCh37 (hg19) VCF-style: chr2-29446207-C-T.
Other names: c.155+1G>A (NM_001353765.2).
Identifiers: ClinVar variation 943911 (VCV000943911.10), dbSNP rs1669858309, ClinGen allele CA346464577.